The following is an entry in ClinVar:

NM_006899.5(IDH3B):c.1072-4G>A

Gene: IDH3B (isocitrate dehydrogenase (NAD(+)) 3 non-catalytic subunit beta; minus strand). Cytogenetic location: 20p13.
Variant type: single nucleotide variant.
Coding change: c.1072-4G>A on transcript NM_006899.5 (MANE Select); 4 bases into the intron before coding-DNA position 1072, G replaced by A.
Molecular consequence: intron variant.
Genome position (GRCh38, 1-based): chr20:2,658,841, C>T on the plus strand (G>A on the coding strand, the complement: IDH3B is on the minus strand). VCF-style: chr20-2658841-C-T. GRCh37 (hg19) VCF-style: chr20-2639487-C-T.
Other names: c.1072-319G>A (NM_174855.4); c.1072-4G>A (NM_001330763.2, NM_006899.4).
Identifiers: ClinVar variation 194079 (VCV000194079.17), dbSNP rs556473702, ClinGen allele CA239879.

ClinVar aggregate classification (germline): Conflicting classifications of pathogenicity. Review status: criteria provided, conflicting classifications (1 of 4 stars). 4 submissions from 4 submitters: Uncertain significance (1); Likely benign (2). 1 of the submissions does not count toward it. Last evaluated 2026-02-01.

Conditions:
IDH3B-related disorder. Also called: IDH3B-related condition.

Allele frequency attached by ClinVar (database versions not stated): 1000 Genomes Project 0.00020; ExAC 0.00020; gnomAD 0.00003; TOPMed 0.00004; 1000 Genomes Project 30x 0.00016.
gnomAD v4.1: 152 of 1,614,082 alleles (0.0094%); highest among the groups gnomAD compares: South Asian, 0.15%; 1 homozygote.

Submissions (4):

Labcorp Genetics (formerly Invitae), Labcorp
Classification: Likely benign. Last evaluated: 2026-02-01. Review status: criteria provided, single submitter. Criteria: Invitae Variant Classification Sherloc (09022015). Collection method: clinical testing. Allele origin: germline.

Blueprint Genetics
Classification: Likely benign. Last evaluated: 2024-09-11. Review status: criteria provided, single submitter. Criteria: ACMG Guidelines, 2015. Collection method: clinical testing. Allele origin: germline.

Eurofins Ntd Llc (ga)
Classification: Uncertain significance. Last evaluated: 2015-03-30. Review status: criteria provided, single submitter. Criteria: EGL Classification Definitions 2015. Collection method: clinical testing. Allele origin: germline. Observed: 1 variant allele, 1 heterozygote.

PreventionGenetics, part of Exact Sciences
Classification: Likely benign for IDH3B-related condition. Last evaluated: 2019-05-28. Review status: no assertion criteria provided. Collection method: clinical testing. Allele origin: germline. Not counted in ClinVar's aggregate classification.
Comment: This variant is classified as likely benign based on ACMG/AMP sequence variant interpretation guidelines (Richards et al. 2015 PMID: 25741868, with internal and published modifications).